The following is an entry in ClinVar:

NM_000070.3(CAPN3):c.402del (p.Ile135fs)

Genes: CAPN3 (calpain 3; plus strand), LOC126862115 (BRD4-independent group 4 enhancer GRCh37_chr15:42677734-42678933; plus strand). Cytogenetic location: 15q15.1.
Variant type: Deletion.
Coding change: c.402del on transcript NM_000070.3 (MANE Select); coding-DNA position 402, one base deleted (C; older notation c.402delC).
Protein change: p.Ile135fs; shifts the reading frame from isoleucine 135.
Molecular consequence: frameshift variant.
Genome position (GRCh38, 1-based): chr15:42,386,189, C deleted; the last of 2 consecutive C bases (chr15:42,386,188-42,386,189); deleting either gives the same sequence. VCF-style (leftmost placement, unchanged base first): chr15-42386187-GC-G. GRCh37 (hg19) VCF-style: chr15-42678385-GC-G.
Other names: c.402del (NM_000070.2); c.402del, p.Ile135fs (NM_024344.2, NM_173087.2); short protein forms I135fs.
Identifiers: ClinVar variation 286591 (VCV000286591.16), dbSNP rs746935735, ClinGen allele CA7511009.
Genomic context (GRCh38, chr15:42,386,187, plus strand): 5'-GCAGGAGTGCTCACGATCTGTGCCCTGTGTCTGCCTGCAGGGGACTGCTGGTTTCTCGCA[GC>G]CATTGCCTGCCTGACCCTGAACCAGCACCTTCTTTTCCGAGTCATACCCCATGATCAAAG-3'

ClinVar aggregate classification (germline): Pathogenic. Review status: criteria provided, multiple submitters, no conflicts (2 of 4 stars). 3 submissions from 3 submitters: Pathogenic (2). 1 of the submissions does not count toward it. Last evaluated 2023-05-11.

Conditions:
Autosomal recessive limb-girdle muscular dystrophy type 2A (LGMDR1). Also called: Calpainopathy; MUSCULAR DYSTROPHY, PELVOFEMORAL; Limb-girdle muscular dystrophy, type 2A; Muscular dystrophy, limb-girdle, type 2A, Amish; LEYDEN-MOEBIUS MUSCULAR DYSTROPHY. Identifiers: Orphanet 267, MedGen C1869123, MONDO:0009675, OMIM 253600. Disease mechanism: loss of function.

Submissions (3):

Labcorp Genetics (formerly Invitae), Labcorp
Classification: Pathogenic for Autosomal recessive limb-girdle muscular dystrophy type 2A. Last evaluated: 2023-05-11. Review status: criteria provided, single submitter. Criteria: Invitae Variant Classification Sherloc (09022015). Collection method: clinical testing. Allele origin: germline.
Comment: This sequence change creates a premature translational stop signal (p.Ile135Leufs*4) in the CAPN3 gene. It is expected to result in an absent or disrupted protein product. Loss-of-function variants in CAPN3 are known to be pathogenic (PMID: 10330340, 15689361). For these reasons, this variant has been classified as Pathogenic. ClinVar contains an entry for this variant (Variation ID: 286591). This premature translational stop signal has been observed in individuals with autosomal recessive limb-girdle muscular dystrophy (PMID: 9150160, 21204801). This variant is present in population databases (rs746935735, gnomAD 0.0009%).

Eurofins Ntd Llc (ga)
Classification: Pathogenic. Last evaluated: 2016-03-03. Review status: criteria provided, single submitter. Criteria: EGL Classification Definitions 2015. Collection method: clinical testing. Allele origin: germline. Observed: 2 variant alleles, 2 heterozygotes.

Counsyl
Classification: Likely pathogenic for Autosomal recessive limb-girdle muscular dystrophy type 2A. Last evaluated: 2016-10-28. Review status: no assertion criteria provided. Collection method: clinical testing. Allele origin: unknown. Not counted in ClinVar's aggregate classification.

Literature cited by the submitters: PubMed 10330340 (cited by Labcorp Genetics (formerly Invitae), Labcorp); PubMed 15689361 (cited by Labcorp Genetics (formerly Invitae), Labcorp); PubMed 9150160 (cited by Labcorp Genetics (formerly Invitae), Labcorp and Counsyl); PubMed 21204801 (cited by Labcorp Genetics (formerly Invitae), Labcorp).